The following is an entry in ClinVar:

NM_002661.5(PLCG2):c.94A>G (p.Ser32Gly)

Gene: PLCG2 (phospholipase C gamma 2; plus strand). Cytogenetic location: 16q23.3.
Variant type: single nucleotide variant.
Coding change: c.94A>G on transcript NM_002661.5 (MANE Select); coding-DNA position 94, A replaced by G.
Protein change: p.Ser32Gly; replaces serine 32 with glycine.
Molecular consequence: missense variant.
Genome position (GRCh38, 1-based): chr16:81,786,083, A>G. VCF-style: chr16-81786083-A-G. GRCh37 (hg19) VCF-style: chr16-81819688-A-G.
Other names: c.94A>G, p.Ser32Gly (NM_001425749.1, NM_001425750.1, NM_001425751.1); short protein forms S32G.
Identifiers: ClinVar variation 3671279 (VCV003671279.2).

ClinVar aggregate classification (germline): Uncertain significance (1 of 4 stars; one submission).

Conditions:
Familial cold autoinflammatory syndrome 3 (FCAS3). Also called: ANTIBODY DEFICIENCY AND IMMUNE DYSREGULATION, PLCG2-ASSOCIATED; FAMILIAL ATYPICAL COLD URTICARIA. Identifiers: Orphanet 300359, MedGen C3280914, MONDO:0013766, OMIM 614468.

gnomAD v4.1: 2 of 1,614,214 alleles (0.00012%); highest among the groups gnomAD compares: South Asian, 0.0011%; no homozygotes.

Submission:

Labcorp Genetics (formerly Invitae), Labcorp
Classification: Uncertain significance for Familial cold autoinflammatory syndrome 3. Last evaluated: 2024-06-26. Review status: criteria provided, single submitter. Criteria: Invitae Variant Classification Sherloc (09022015). Collection method: clinical testing. Allele origin: germline.
Comment: This sequence change replaces serine, which is neutral and polar, with glycine, which is neutral and non-polar, at codon 32 of the PLCG2 protein (p.Ser32Gly). This variant is present in population databases (no rsID available, gnomAD 0.003%). This variant has not been reported in the literature in individuals affected with PLCG2-related conditions. An algorithm developed to predict the effect of missense changes on protein structure and function (PolyPhen-2) suggests that this variant is likely to be tolerated. In summary, the available evidence is currently insufficient to determine the role of this variant in disease. Therefore, it has been classified as a Variant of Uncertain Significance.